The following is an entry in ClinVar:

NM_001376.5(DYNC1H1):c.3877G>A (p.Asp1293Asn)

Gene: DYNC1H1 (dynein cytoplasmic 1 heavy chain 1; plus strand). Cytogenetic location: 14q32.31.
Variant type: single nucleotide variant.
Coding change: c.3877G>A on transcript NM_001376.5 (MANE Select); coding-DNA position 3877, G replaced by A.
Protein change: p.Asp1293Asn; replaces aspartic acid 1293 with asparagine.
Molecular consequence: missense variant.
Genome position (GRCh38, 1-based): chr14:102,000,061, G>A. VCF-style: chr14-102000061-G-A. GRCh37 (hg19) VCF-style: chr14-102466398-G-A.
Other names: short protein forms D1293N.
Identifiers: ClinVar variation 2727342 (VCV002727342.3), dbSNP rs201107645, ClinGen allele CA7352116.

ClinVar aggregate classification (germline): Uncertain significance (1 of 4 stars; one submission).

Conditions:
Charcot-Marie-Tooth disease axonal type 2O. Also called: CHARCOT-MARIE-TOOTH NEUROPATHY, AXONAL, TYPE 2O; CHARCOT-MARIE-TOOTH DISEASE, AXONAL, AUTOSOMAL DOMINANT, TYPE 2O; Charcot-Marie-Tooth Neuropathy Type 2O; Charcot-Marie-Tooth disease, axonal, type 20. Identifiers: Orphanet 284232, MedGen C3280220, MONDO:0013644, OMIM 614228.

Allele frequency attached by ClinVar (database versions not stated): TOPMed below 0.00001; ExAC 0.00001; gnomAD 0.00001; gnomAD exomes 0.00001; 1000 Genomes Project 0.00020; 1000 Genomes Project 30x 0.00031.
gnomAD v4.1: 11 of 1,614,196 alleles (0.00068%); highest among the groups gnomAD compares: Admixed American, 0.0067%; no homozygotes.

Submission:

Labcorp Genetics (formerly Invitae), Labcorp
Classification: Uncertain significance for Charcot-Marie-Tooth disease axonal type 2O. Last evaluated: 2023-06-28. Review status: criteria provided, single submitter. Criteria: Invitae Variant Classification Sherloc (09022015). Collection method: clinical testing. Allele origin: germline.
Comment: In summary, the available evidence is currently insufficient to determine the role of this variant in disease. Therefore, it has been classified as a Variant of Uncertain Significance. Advanced modeling of protein sequence and biophysical properties (such as structural, functional, and spatial information, amino acid conservation, physicochemical variation, residue mobility, and thermodynamic stability) has been performed at Invitae for this missense variant, however the output from this modeling did not meet the statistical confidence thresholds required to predict the impact of this variant on DYNC1H1 protein function. This variant has not been reported in the literature in individuals affected with DYNC1H1-related conditions. This variant is present in population databases (rs201107645, gnomAD 0.006%). This sequence change replaces aspartic acid, which is acidic and polar, with asparagine, which is neutral and polar, at codon 1293 of the DYNC1H1 protein (p.Asp1293Asn).